The following is an entry in ClinVar:

ClinVar aggregate classification (germline): Uncertain significance (1 of 4 stars; one submission).

Allele frequency attached by ClinVar (database versions not stated): TOPMed below 0.00001; gnomAD 0.00001.
gnomAD v4.1: 12 of 1,613,834 alleles (0.00074%); highest among the groups gnomAD compares: East Asian, 0.0045%; no homozygotes.

Submission:

Labcorp Genetics (formerly Invitae), Labcorp
Classification: Uncertain significance. Last evaluated: 2023-12-11. Review status: criteria provided, single submitter. Criteria: Invitae Variant Classification Sherloc (09022015). Collection method: clinical testing. Allele origin: germline.
Comment: This sequence change replaces arginine, which is basic and polar, with tryptophan, which is neutral and slightly polar, at codon 131 of the RDH5 protein (p.Arg131Trp). This variant is present in population databases (no rsID available, gnomAD 0.01%). This variant has not been reported in the literature in individuals affected with RDH5-related conditions. ClinVar contains an entry for this variant (Variation ID: 1019377). Advanced modeling of protein sequence and biophysical properties (such as structural, functional, and spatial information, amino acid conservation, physicochemical variation, residue mobility, and thermodynamic stability) performed at Invitae indicates that this missense variant is not expected to disrupt RDH5 protein function with a negative predictive value of 80%. In summary, the available evidence is currently insufficient to determine the role of this variant in disease. Therefore, it has been classified as a Variant of Uncertain Significance.

NM_002905.5(RDH5):c.391C>T (p.Arg131Trp)

Genes: BLOC1S1-RDH5 (BLOC1S1-RDH5 readthrough; plus strand), RDH5 (retinol dehydrogenase 5; plus strand). Cytogenetic location: 12q13.2.
Variant type: single nucleotide variant.
Coding change: c.391C>T on transcript NM_002905.5 (MANE Select); coding-DNA position 391, C replaced by T.
Protein change: p.Arg131Trp; replaces arginine 131 with tryptophan.
Molecular consequence: missense variant. On other transcripts: non-coding transcript variant (1).
Genome position (GRCh38, 1-based): chr12:55,721,769, C>T. VCF-style: chr12-55721769-C-T. GRCh37 (hg19) VCF-style: chr12-56115553-C-T.
Other names: c.391C>T, p.Arg131Trp (NM_001199771.3); short protein forms R131W.
Identifiers: ClinVar variation 1019377 (VCV001019377.8), dbSNP rs762360614, ClinGen allele CA385200731.